The following is an entry in ClinVar:

ClinVar aggregate classification (germline): Uncertain significance. Review status: criteria provided, single submitter (1 of 4 stars). 2 submissions from 2 submitters: Uncertain significance (1). 1 of the submissions does not count toward it. Last evaluated 2025-10-18.

Conditions:
CCDC50-related disorder. Also called: CCDC50-related condition.

Allele frequency attached by ClinVar (database versions not stated): ExAC 0.00002; gnomAD exomes below 0.00001; TOPMed 0.00001.
gnomAD v4.1: 2 of 1,613,744 alleles (0.00012%); highest among the groups gnomAD compares: Admixed American, 0.0033%; no homozygotes.

Submissions (2):

Ambry Genetics
Classification: Uncertain significance. Last evaluated: 2025-10-18. Review status: criteria provided, single submitter. Criteria: Ambry Variant Classification Scheme 2023. Collection method: clinical testing. Allele origin: germline.

PreventionGenetics, part of Exact Sciences
Classification: Uncertain significance for CCDC50-related condition. Last evaluated: 2024-01-25. Review status: no assertion criteria provided. Collection method: clinical testing. Allele origin: germline. Not counted in ClinVar's aggregate classification.
Comment: The CCDC50 c.302G>A variant is predicted to result in the amino acid substitution p.Arg101Lys. To our knowledge, this variant has not been reported in the literature. This variant is reported in 0.0058% of alleles in individuals of Latino descent in gnomAD. At this time, the clinical significance of this variant is uncertain due to the absence of conclusive functional and genetic evidence.

NM_178335.3(CCDC50):c.302G>A (p.Arg101Lys)

Gene: CCDC50 (coiled-coil domain containing 50; plus strand). Cytogenetic location: 3q28.
Variant type: single nucleotide variant.
Coding change: c.302G>A on transcript NM_178335.3 (MANE Select); coding-DNA position 302, G replaced by A.
Protein change: p.Arg101Lys; replaces arginine 101 with lysine.
Molecular consequence: missense variant.
Genome position (GRCh38, 1-based): chr3:191,361,131, G>A. VCF-style: chr3-191361131-G-A. GRCh37 (hg19) VCF-style: chr3-191078920-G-A.
Other names: c.302G>A, p.Arg101Lys (NM_174908.4); short protein forms R101K.
Identifiers: ClinVar variation 3030599 (VCV003030599.3), dbSNP rs763498226, ClinGen allele CA2755208.